The following is an entry in ClinVar:

NM_000057.4(BLM):c.1057C>G (p.Leu353Val)

Gene: BLM (BLM RecQ like helicase; plus strand). Cytogenetic location: 15q26.1.
Variant type: single nucleotide variant.
Coding change: c.1057C>G on transcript NM_000057.4 (MANE Select); coding-DNA position 1057, C replaced by G.
Protein change: p.Leu353Val; replaces leucine 353 with valine.
Molecular consequence: missense variant. On other transcripts: 5 prime UTR variant (1).
Genome position (GRCh38, 1-based): chr15:90,754,908, C>G. VCF-style: chr15-90754908-C-G. GRCh37 (hg19) VCF-style: chr15-91298138-C-G.
Other names: c.1057C>G (NM_000057.2); c.1057C>G, p.Leu353Val (NM_001287246.2, NM_001287247.2); c.-235C>G (NM_001287248.2); short protein forms L353V.
Identifiers: ClinVar variation 855887 (VCV000855887.13), dbSNP rs1895778737, ClinGen allele CA393842199.

ClinVar aggregate classification (germline): Conflicting classifications of pathogenicity. Review status: criteria provided, conflicting classifications (1 of 4 stars). 3 submissions from 3 submitters: Uncertain significance (1); Likely benign (1). 1 of the submissions does not count toward it. Last evaluated 2025-10-13.

Conditions:
Bloom syndrome (BLM). Also called: Bloom-Torre-Machacek syndrome. Identifiers: Orphanet 125, MedGen C0005859, MONDO:0008876, OMIM 210900.
Hereditary cancer-predisposing syndrome. Also called: Tumor predisposition; Hereditary neoplastic syndrome; Neoplastic Syndromes, Hereditary; Hereditary Cancer Syndrome. Identifiers: Orphanet 140162, MedGen C0027672, MeSH D009386, MONDO:0015356.

Allele frequency attached by ClinVar (database versions not stated): gnomAD exomes below 0.00001.
gnomAD v4.1: 1 of 1,613,850 alleles (0.000062%); highest among the groups gnomAD compares: Non-Finnish European, 0.000085%; no homozygotes.

Submissions (3):

Labcorp Genetics (formerly Invitae), Labcorp
Classification: Uncertain significance for Bloom syndrome. Last evaluated: 2025-10-13. Review status: criteria provided, single submitter. Criteria: Invitae Variant Classification Sherloc (09022015). Collection method: clinical testing. Allele origin: germline.
Comment: This sequence change replaces leucine, which is neutral and non-polar, with valine, which is neutral and non-polar, at codon 353 of the BLM protein (p.Leu353Val). This variant is not present in population databases (gnomAD no frequency). This variant has not been reported in the literature in individuals affected with BLM-related conditions. ClinVar contains an entry for this variant (Variation ID: 855887). Invitae Evidence Modeling of protein sequence and biophysical properties (such as structural, functional, and spatial information, amino acid conservation, physicochemical variation, residue mobility, and thermodynamic stability) indicates that this missense variant is not expected to disrupt BLM protein function with a negative predictive value of 80%. RNA analysis performed to evaluate the impact of this missense change on mRNA splicing indicates it does not significantly alter splicing (internal data). In summary, the available evidence is currently insufficient to determine the role of this variant in disease. Therefore, it has been classified as a Variant of Uncertain Significance.

Ambry Genetics
Classification: Likely benign for Hereditary cancer-predisposing syndrome. Last evaluated: 2024-03-14. Review status: criteria provided, single submitter. Criteria: Ambry Variant Classification Scheme 2023. Collection method: clinical testing. Allele origin: germline.

Natera, Inc.
Classification: Uncertain significance for Bloom syndrome. Last evaluated: 2020-01-24. Review status: no assertion criteria provided. Collection method: clinical testing. Allele origin: germline. Not counted in ClinVar's aggregate classification.